The following is an entry in ClinVar:

ClinVar aggregate classification (germline): Likely benign. Review status: criteria provided, multiple submitters, no conflicts (2 of 4 stars). 2 submissions from 2 submitters: Likely benign (2). Last evaluated 2023-11-01.

Allele frequency attached by ClinVar (database versions not stated): gnomAD exomes below 0.00001; ExAC 0.00008; 1000 Genomes Project 0.00100.

Submissions (2):

CeGaT Center for Human Genetics Tuebingen
Classification: Likely benign. Last evaluated: 2023-11-01. Review status: criteria provided, single submitter. Criteria: CeGaT Center For Human Genetics Tuebingen Variant Classification Criteria Version 2. Collection method: clinical testing. Allele origin: germline. Affected: yes. Observed: 1 variant allele.
Comment: ZNF600: BP4, BP7

Breakthrough Genomics
Classification: Likely benign. Review status: criteria provided, single submitter. Criteria: ACMG Guidelines, 2015. Collection method: not provided. Allele origin: germline. Inheritance: Unknown mechanism. Affected: yes.

NM_001321866.4(ZNF600):c.1758C>T (p.Arg586=)

Gene: ZNF600 (zinc finger protein 600; minus strand). Cytogenetic location: 19q13.41.
Variant type: single nucleotide variant.
Coding change: c.1758C>T on transcript NM_001321866.4 (MANE Select); coding-DNA position 1758, C replaced by T.
Protein change: p.Arg586=; no amino-acid change (arginine 586 retained).
Molecular consequence: synonymous variant.
Genome position (GRCh38, 1-based): chr19:52,766,205, G>A on the plus strand (C>T on the coding strand, the complement: ZNF600 is on the minus strand). VCF-style: chr19-52766205-G-A. GRCh37 (hg19) VCF-style: chr19-53269458-G-A.
Other names: c.1758C>T, p.Arg586= (NM_001321867.3); c.1551C>T, p.Arg517= (NM_198457.5).
Identifiers: ClinVar variation 2672789 (VCV002672789.24), dbSNP rs571570340, ClinGen allele CA9627280.